The following is an entry in ClinVar:

NM_000135.4(FANCA):c.4004T>C (p.Phe1335Ser)

Genes: FANCA (FA complementation group A; minus strand), ZNF276 (zinc finger protein 276; plus strand). Cytogenetic location: 16q24.3.
Variant type: single nucleotide variant.
Coding change: c.4004T>C on transcript NM_000135.4 (MANE Select); coding-DNA position 4004, T replaced by C.
Protein change: p.Phe1335Ser; replaces phenylalanine 1335 with serine.
Molecular consequence: missense variant. On other transcripts: 3 prime UTR variant (2), non-coding transcript variant (4).
Genome position (GRCh38, 1-based): chr16:89,739,484, A>G on the plus strand (T>C on the coding strand, the complement: FANCA is on the minus strand). VCF-style: chr16-89739484-A-G. GRCh37 (hg19) VCF-style: chr16-89805892-A-G.
Other names: c.4004T>C, p.Phe1335Ser (NM_001286167.3); c.*1238A>G (NM_001113525.2, NM_152287.4); short protein forms F1335S.
Identifiers: ClinVar variation 1949358 (VCV001949358.5), dbSNP rs2544082127, ClinGen allele CA397484750.

ClinVar aggregate classification (germline): Uncertain significance (1 of 4 stars; one submission).

Conditions:
Fanconi anemia (FA). Also called: Fanconi's anemia. Identifiers: Orphanet 84, MedGen C0015625, MeSH D005199, MONDO:0019391.

Submission:

Labcorp Genetics (formerly Invitae), Labcorp
Classification: Uncertain significance for Fanconi anemia. Last evaluated: 2022-05-12. Review status: criteria provided, single submitter. Criteria: Invitae Variant Classification Sherloc (09022015). Collection method: clinical testing. Allele origin: germline.
Comment: Advanced modeling of protein sequence and biophysical properties (such as structural, functional, and spatial information, amino acid conservation, physicochemical variation, residue mobility, and thermodynamic stability) performed at Invitae indicates that this missense variant is expected to disrupt FANCA protein function. In summary, the available evidence is currently insufficient to determine the role of this variant in disease. Therefore, it has been classified as a Variant of Uncertain Significance. This variant has not been reported in the literature in individuals affected with FANCA-related conditions. This variant is not present in population databases (gnomAD no frequency). This sequence change replaces phenylalanine, which is neutral and non-polar, with serine, which is neutral and polar, at codon 1335 of the FANCA protein (p.Phe1335Ser).